The following is an entry in ClinVar:

ClinVar aggregate classification (germline): Likely benign (0 of 4 stars; one submission).

Conditions:
POLG-related disorder. Also called: POLG-Related Spectrum Disorders; POLG-related condition; POLG-Related Disorders. Identifiers: MedGen C4763519.

Allele frequency attached by ClinVar (database versions not stated): TOPMed 0.00006; ExAC 0.00006; gnomAD 0.00006.
gnomAD v4.1: 47 of 1,522,276 alleles (0.0031%); highest among the groups gnomAD compares: Admixed American, 0.018%; no homozygotes.

Submission:

PreventionGenetics, part of Exact Sciences
Classification: Likely benign for POLG-related condition. Last evaluated: 2023-08-07. Review status: no assertion criteria provided. Collection method: clinical testing. Allele origin: germline.
Comment: This variant is classified as likely benign based on ACMG/AMP sequence variant interpretation guidelines (Richards et al. 2015 PMID: 25741868, with internal and published modifications).

NM_002693.3(POLG):c.*42C>T

Genes: FANCI (FA complementation group I; plus strand), POLG (DNA polymerase gamma, catalytic subunit; minus strand). Cytogenetic location: 15q26.1.
Variant type: single nucleotide variant.
Coding change: c.*42C>T on transcript NM_002693.3 (MANE Select); 42 bases downstream of the stop codon, C replaced by T.
Molecular consequence: 3 prime UTR variant.
Genome position (GRCh38, 1-based): chr15:89,316,709, G>A on the plus strand (C>T on the coding strand, the complement: POLG is on the minus strand). VCF-style: chr15-89316709-G-A. GRCh37 (hg19) VCF-style: chr15-89859940-G-A.
Other names: c.*42C>T (NM_001126131.2); c.*250G>A (NM_001113378.2, NM_001376910.1, NM_001376911.1 and 1 more transcripts).
Identifiers: ClinVar variation 3054030 (VCV003054030.2), dbSNP rs781373845, ClinGen allele CA7724019.